The following is an entry in ClinVar:

ClinVar aggregate classification (germline): Uncertain significance. Review status: criteria provided, multiple submitters, no conflicts (2 of 4 stars). 2 submissions from 2 submitters: Uncertain significance (2). Last evaluated 2025-03-17.

Conditions:
Mucopolysaccharidosis, MPS-III-A (MPS3A). Also called: HEPARAN SULFATE SULFATASE DEFICIENCY; SANFILIPPO SYNDROME A; SULFAMIDASE DEFICIENCY; MPS III A; Mucopolysaccharidosis type IIIA (Sanfilippo A); Mucopolysaccharidosis, type IIIA. Identifiers: Orphanet 581, Orphanet 79269, MedGen C0086647, MONDO:0009655, OMIM 252900.
Inborn genetic diseases. Identifiers: MedGen C0950123, MeSH D030342.

Allele frequency attached by ClinVar (database versions not stated): gnomAD 0.00002; TOPMed 0.00003; ExAC 0.00002.
gnomAD v4.1: 81 of 1,613,116 alleles (0.005%); highest among the groups gnomAD compares: Non-Finnish European, 0.0064%; no homozygotes.

Submissions (2):

Ambry Genetics
Classification: Uncertain significance for Inborn genetic diseases. Last evaluated: 2025-03-17. Review status: criteria provided, single submitter. Criteria: Ambry Variant Classification Scheme 2023. Collection method: clinical testing. Allele origin: germline.

Labcorp Genetics (formerly Invitae), Labcorp
Classification: Uncertain significance for Mucopolysaccharidosis, MPS-III-A. Last evaluated: 2022-07-12. Review status: criteria provided, single submitter. Criteria: Invitae Variant Classification Sherloc (09022015). Collection method: clinical testing. Allele origin: germline.
Comment: This sequence change replaces valine, which is neutral and non-polar, with isoleucine, which is neutral and non-polar, at codon 145 of the SGSH protein (p.Val145Ile). This variant is present in population databases (rs771068876, gnomAD 0.02%). This variant has not been reported in the literature in individuals affected with SGSH-related conditions. Algorithms developed to predict the effect of missense changes on protein structure and function output the following: SIFT: "Tolerated"; PolyPhen-2: "Benign"; Align-GVGD: "Class C0". The isoleucine amino acid residue is found in multiple mammalian species, which suggests that this missense change does not adversely affect protein function. In summary, the available evidence is currently insufficient to determine the role of this variant in disease. Therefore, it has been classified as a Variant of Uncertain Significance.

NM_000199.5(SGSH):c.433G>A (p.Val145Ile)

Gene: SGSH (N-sulfoglucosamine sulfohydrolase; minus strand). Cytogenetic location: 17q25.3.
Variant type: single nucleotide variant.
Coding change: c.433G>A on transcript NM_000199.5 (MANE Select); coding-DNA position 433, G replaced by A.
Protein change: p.Val145Ile; replaces valine 145 with isoleucine.
Molecular consequence: missense variant. On other transcripts: non-coding transcript variant (1).
Genome position (GRCh38, 1-based): chr17:80,214,688, C>T on the plus strand (G>A on the coding strand, the complement: SGSH is on the minus strand). VCF-style: chr17-80214688-C-T. GRCh37 (hg19) VCF-style: chr17-78188487-C-T.
Other names: c.433G>A, p.Val145Ile (NM_001352921.3, NM_001352922.2); short protein forms V145I.
Identifiers: ClinVar variation 2051714 (VCV002051714.3), dbSNP rs771068876, ClinGen allele CA8818016.